The following is an entry in ClinVar:

NM_000257.4(MYH7):c.2629A>T (p.Met877Leu)

Genes: MYH7 (myosin heavy chain 7; minus strand), LOC126861898 (BRD4-independent group 4 enhancer GRCh37_chr14:23893609-23894808; plus strand). Cytogenetic location: 14q11.2.
Variant type: single nucleotide variant.
Coding change: c.2629A>T on transcript NM_000257.4 (MANE Select); coding-DNA position 2629, A replaced by T.
Protein change: p.Met877Leu; replaces methionine 877 with leucine.
Molecular consequence: missense variant.
Genome position (GRCh38, 1-based): chr14:23,424,819, T>A on the plus strand (A>T on the coding strand, the complement: MYH7 is on the minus strand). VCF-style: chr14-23424819-T-A. GRCh37 (hg19) VCF-style: chr14-23894028-T-A.
Other names: c.2629A>T, p.Met877Leu (NM_001407004.1); short protein forms M877L.
Identifiers: ClinVar variation 3075668 (VCV003075668.3), dbSNP rs902687469, ClinGen allele CA257819358.

ClinVar aggregate classification (germline): Likely pathogenic. Review status: criteria provided, multiple submitters, no conflicts (2 of 4 stars). 2 submissions from 2 submitters: Likely pathogenic (2). Last evaluated 2025-05-27.

Conditions:
Hypertrophic cardiomyopathy. Also called: HYPERTROPHIC MYOCARDIOPATHY. Identifiers: Orphanet 217569, MedGen C0007194, MeSH D002312, MONDO:0005045, HP:0001639.
Hypertrophic cardiomyopathy 1 (CMH1). Also called: Familial hypertrophic cardiomyopathy 1; MYH7-Related Familial Hypertrophic Cardiomyopathy. Identifiers: MedGen C3495498, MONDO:0008647, OMIM 192600.

Allele frequency attached by ClinVar (database versions not stated): TOPMed below 0.00001.

Submissions (2):

Labcorp Genetics (formerly Invitae), Labcorp
Classification: Likely pathogenic for Hypertrophic cardiomyopathy. Last evaluated: 2025-05-27. Review status: criteria provided, single submitter. Criteria: Invitae Variant Classification Sherloc (09022015). Collection method: clinical testing. Allele origin: germline.
Comment: This sequence change replaces methionine, which is neutral and non-polar, with leucine, which is neutral and non-polar, at codon 877 of the MYH7 protein (p.Met877Leu). This variant is not present in population databases (gnomAD no frequency). This missense change has been observed in individual(s) with MYH7-related conditions (internal data). ClinVar contains an entry for this variant (Variation ID: 3075668). Invitae Evidence Modeling of protein sequence and biophysical properties (such as structural, functional, and spatial information, amino acid conservation, physicochemical variation, residue mobility, and thermodynamic stability) indicates that this missense variant is expected to disrupt MYH7 protein function with a positive predictive value of 95%. This variant disrupts the p.Met877 amino acid residue in MYH7. Other variant(s) that disrupt this residue have been determined to be pathogenic (PMID: 27532257, 27737317, 28699631, 31638223). This suggests that this residue is clinically significant, and that variants that disrupt this residue are likely to be disease-causing. In summary, the currently available evidence indicates that the variant is pathogenic, but additional data are needed to prove that conclusively. Therefore, this variant has been classified as Likely Pathogenic.

Regional Center For Medical Genetics Timis, Louis Turcanu Emergency Hospital for Children Timisoara
Classification: Likely pathogenic for Hypertrophic cardiomyopathy 1. Last evaluated: 2024-03-27. Review status: criteria provided, single submitter. Criteria: ACMG Guidelines, 2015. Collection method: research. Allele origin: germline. Affected: yes. Observed: 1 heterozygote.
Comment: The missense variant is not present in population databases (gnomAD v4.0.0 genomes and exomes). The variant is located in a well-described mutational hot spot (amino acids 181–937). The amino acid residue is known to be disturbed by multiple pathogenic/likely pathogenic missense variants. In summary (PM1, PM2, PM5), the variant was classified as likely pathogenic, according to ACMG guidelines and ClinGen recommendations.

Literature cited by the submitters: PubMed 27532257 (cited by Labcorp Genetics (formerly Invitae), Labcorp); PubMed 27737317 (cited by Labcorp Genetics (formerly Invitae), Labcorp); PubMed 28699631 (cited by Labcorp Genetics (formerly Invitae), Labcorp); PubMed 31638223 (cited by Labcorp Genetics (formerly Invitae), Labcorp); PubMed 29300372 (cited by Regional Center For Medical Genetics Timis, Louis Turcanu Emergency Hospital for Children Timisoara).